The following is an entry in ClinVar:

ClinVar aggregate classification (germline): Uncertain significance (1 of 4 stars; one submission).

Conditions:
Familial thoracic aortic aneurysm and aortic dissection (TAAD). Also called: Thoracic aortic aneurysms and dissections. Identifiers: Orphanet 91387, MedGen C4707243, MONDO:0019625.

Submission:

Color Diagnostics, LLC DBA Color Health
Classification: Uncertain significance for Familial thoracic aortic aneurysm and aortic dissection. Last evaluated: 2021-06-21. Review status: criteria provided, single submitter. Criteria: ACMG Guidelines, 2015. Collection method: clinical testing. Allele origin: germline.
Comment: This missense variant replaces aspartic acid with glutamic acid at codon 1528 of the FBN1 protein. Computational prediction suggests that this variant may have deleterious impact on protein structure and function (internally defined REVEL score threshold >= 0.7, PMID: 27666373). To our knowledge, functional studies have not been reported for this variant. This variant has not been reported in individuals affected with cardiovascular disorders in the literature. This variant has not been identified in the general population by the Genome Aggregation Database (gnomAD). The available evidence is insufficient to determine the role of this variant in disease conclusively. Therefore, this variant is classified as a Variant of Uncertain Significance.

NM_000138.5(FBN1):c.4584T>A (p.Asp1528Glu)

Gene: FBN1 (fibrillin 1; minus strand). Cytogenetic location: 15q21.1.
Variant type: single nucleotide variant.
Coding change: c.4584T>A on transcript NM_000138.5 (MANE Select); coding-DNA position 4584, T replaced by A.
Protein change: p.Asp1528Glu; replaces aspartic acid 1528 with glutamic acid.
Molecular consequence: missense variant.
Genome position (GRCh38, 1-based): chr15:48,468,101, A>T on the plus strand (T>A on the coding strand, the complement: FBN1 is on the minus strand). VCF-style: chr15-48468101-A-T. GRCh37 (hg19) VCF-style: chr15-48760298-A-T.
Other names: short protein forms D1528E.
Identifiers: ClinVar variation 1331944 (VCV001331944.2), dbSNP rs2141272538, ClinGen allele CA392353188.